The following is an entry in ClinVar:

NM_000321.3(RB1):c.2238del (p.Glu747fs)

Gene: RB1 (RB transcriptional corepressor 1; plus strand). Cytogenetic location: 13q14.2.
Variant type: Deletion.
Coding change: c.2238del on transcript NM_000321.3 (MANE Select); coding-DNA position 2238, one base deleted (A; older notation c.2238delA).
Protein change: p.Glu747fs; shifts the reading frame from glutamic acid 747.
Molecular consequence: frameshift variant.
Genome position (GRCh38, 1-based): chr13:48,465,024, A deleted; the last of 2 consecutive A bases (chr13:48,465,023-48,465,024); deleting either gives the same sequence. VCF-style (leftmost placement, unchanged base first): chr13-48465022-GA-G. GRCh37 (hg19) VCF-style: chr13-49039158-GA-G.
Other names: short protein forms E747fs.
Identifiers: ClinVar variation 960340 (VCV000960340.8), dbSNP rs1949430414, ClinGen allele CA1139663290.

ClinVar aggregate classification (germline): Pathogenic. Review status: criteria provided, multiple submitters, no conflicts (2 of 4 stars). 2 submissions from 2 submitters: Pathogenic (2). Last evaluated 2024-05-20.

Conditions:
Retinoblastoma (RB1). Also called: RETINOBLASTOMA, SOMATIC. Identifiers: Orphanet 790, MedGen C0035335, MeSH D012175, MONDO:0008380, OMIM 180200, HP:0009919. Disease mechanism: loss of function. Inheritance: Both sporadic and heritable forms are tested..

Submissions (2):

Genetic Diagnostic Laboratory, University of Pennsylvania School of Medicine
Classification: Pathogenic for Retinoblastoma. Last evaluated: 2024-05-20. Review status: criteria provided, single submitter. Criteria: ACMG Guidelines, 2015. Collection method: clinical testing. Allele origin: germline. Affected: yes. Observed: 1 variant allele.
Comment: Case and Pedigree Information: BILATERAL CASES:1, UNILATERAL CASES:0, TOTAL CASES:1, PEDIGREES:1. ACMG Codes Applied:PVS1, PM2

Labcorp Genetics (formerly Invitae), Labcorp
Classification: Pathogenic for Retinoblastoma. Last evaluated: 2019-07-19. Review status: criteria provided, single submitter. Criteria: Invitae Variant Classification Sherloc (09022015). Collection method: clinical testing. Allele origin: germline.
Comment: This sequence change creates a premature translational stop signal (p.Glu747Argfs*7) in the RB1 gene. It is expected to result in an absent or disrupted protein product. This variant is not present in population databases (ExAC no frequency). This variant has not been reported in the literature in individuals with RB1-related conditions. Loss-of-function variants in RB1 are known to be pathogenic (PMID: 17096365). For these reasons, this variant has been classified as Pathogenic.

Literature cited by the submitters: PubMed 17096365 (cited by Labcorp Genetics (formerly Invitae), Labcorp).